The following is an entry in ClinVar:

NM_201253.3(CRB1):c.3495T>A (p.Cys1165Ter)

Gene: CRB1 (crumbs cell polarity complex component 1; plus strand). Cytogenetic location: 1q31.3.
Variant type: single nucleotide variant.
Coding change: c.3495T>A on transcript NM_201253.3 (MANE Select); coding-DNA position 3495, T replaced by A.
Protein change: p.Cys1165Ter; replaces cysteine 1165 with a stop codon.
Molecular consequence: nonsense. On other transcripts: non-coding transcript variant (2), intron variant (1).
Genome position (GRCh38, 1-based): chr1:197,435,358, T>A. VCF-style: chr1-197435358-T-A. GRCh37 (hg19) VCF-style: chr1-197404488-T-A.
Other names: c.3159T>A, p.Cys1053Ter (NM_001193640.2); c.3423T>A, p.Cys1141Ter (NM_001257965.2); c.2129-242T>A (NM_001257966.2); short protein forms C1141*, C1165*, C1053*.
Identifiers: ClinVar variation 2951952 (VCV002951952.3), dbSNP rs1665099725, ClinGen allele CA344048359.
Genomic context (GRCh38, chr1:197,435,358, plus strand): 5'-CAACCCCTGTTTGCATGGAGGAAACTGTGAAGACATCTATAGCTCTTATCATTGCTCCTG[T>A]CCCTTGGGATGGTCAGGGAAACACTGTGAACTCAACATCGATGAATGCTTTTCAAACCCC-3'

ClinVar aggregate classification (germline): Pathogenic (1 of 4 stars; one submission).

Conditions:
Retinitis pigmentosa 12 (RP12). Also called: RP WITH OR WITHOUT PRESERVED PARAARTERIOLE RETINAL PIGMENT EPITHELIUM; RETINITIS PIGMENTOSA WITH OR WITHOUT PARAARTERIOLAR PRESERVATION OF RETINAL PIGMENT EPITHELIUM; RP WITH OR WITHOUT PPRPE. Identifiers: Orphanet 791, MedGen C1838647, MONDO:0010818, OMIM 600105.
Leber congenital amaurosis 8 (LCA8). Identifiers: Orphanet 65, MedGen C3151202, MONDO:0013453, OMIM 613835.

Submission:

Labcorp Genetics (formerly Invitae), Labcorp
Classification: Pathogenic for Leber congenital amaurosis 8; Retinitis pigmentosa 12. Last evaluated: 2023-09-15. Review status: criteria provided, single submitter. Criteria: Invitae Variant Classification Sherloc (09022015). Collection method: clinical testing. Allele origin: germline.
Comment: For these reasons, this variant has been classified as Pathogenic. This variant has not been reported in the literature in individuals affected with CRB1-related conditions. This variant is not present in population databases (gnomAD no frequency). This sequence change creates a premature translational stop signal (p.Cys1165*) in the CRB1 gene. It is expected to result in an absent or disrupted protein product. Loss-of-function variants in CRB1 are known to be pathogenic (PMID: 10508521, 22065545, 23379534, 25412400, 26957898, 28041643, 29391521).

Literature cited by the submitters: PubMed 10508521; PubMed 22065545; PubMed 23379534; PubMed 25412400; PubMed 26957898; PubMed 28041643; PubMed 29391521.